The following is an entry in ClinVar:

ClinVar aggregate classification (germline): Conflicting classifications of pathogenicity. Review status: criteria provided, conflicting classifications (1 of 4 stars). 2 submissions from 2 submitters: Uncertain significance (1); Likely benign (1). Last evaluated 2025-03-31.

Conditions:
Acute myeloid leukemia (AML). Also called: Leukemia, acute myeloid, somatic; Leukemia, acute myelogenous, somatic; Acute myeloid leukemia, adult; AML adult; Acute non-lymphocytic leukemia; Acute granulocytic leukemia. Identifiers: Orphanet 519, MedGen C0023467, MeSH D015470, MONDO:0018874, OMIM 601626, HP:0004808. Disease mechanism: Constitutively activated FLT3.
Inborn genetic diseases. Identifiers: MedGen C0950123, MeSH D030342.

Allele frequency attached by ClinVar (database versions not stated): TOPMed 0.00002.

Submissions (2):

Ambry Genetics
Classification: Likely benign for Inborn genetic diseases. Last evaluated: 2025-03-31. Review status: criteria provided, single submitter. Criteria: Ambry Variant Classification Scheme 2023. Collection method: clinical testing. Allele origin: germline.

Labcorp Genetics (formerly Invitae), Labcorp
Classification: Uncertain significance for Acute myeloid leukemia. Last evaluated: 2022-11-23. Review status: criteria provided, single submitter. Criteria: Invitae Variant Classification Sherloc (09022015). Collection method: clinical testing. Allele origin: germline.
Comment: This sequence change replaces histidine, which is basic and polar, with glutamine, which is neutral and polar, at codon 260 of the CEBPA protein (p.His260Gln). In summary, the available evidence is currently insufficient to determine the role of this variant in disease. Therefore, it has been classified as a Variant of Uncertain Significance. Algorithms developed to predict the effect of missense changes on protein structure and function (SIFT, PolyPhen-2, Align-GVGD) all suggest that this variant is likely to be tolerated. ClinVar contains an entry for this variant (Variation ID: 572747). This variant has not been reported in the literature in individuals affected with CEBPA-related conditions. This variant is not present in population databases (gnomAD no frequency).

NM_004364.5(CEBPA):c.780C>A (p.His260Gln)

Gene: CEBPA (CCAAT enhancer binding protein alpha; minus strand). Cytogenetic location: 19q13.11.
Variant type: single nucleotide variant.
Coding change: c.780C>A on transcript NM_004364.5 (MANE Select); coding-DNA position 780, C replaced by A.
Protein change: p.His260Gln; replaces histidine 260 with glutamine.
Molecular consequence: missense variant.
Genome position (GRCh38, 1-based): chr19:33,301,635, G>T on the plus strand (C>A on the coding strand, the complement: CEBPA is on the minus strand). VCF-style: chr19-33301635-G-T. GRCh37 (hg19) VCF-style: chr19-33792541-G-T.
Other names: c.780C>A (NM_004364.3); c.423C>A, p.His141Gln (NM_001285829.2); c.885C>A, p.His295Gln (NM_001287424.2); c.738C>A, p.His246Gln (NM_001287435.2); short protein forms H260Q, H141Q, H295Q, H246Q.
Identifiers: ClinVar variation 572747 (VCV000572747.12), dbSNP rs1429055509, ClinGen allele CA405274230.